The following is an entry in ClinVar:

ClinVar aggregate classification (germline): Uncertain significance (1 of 4 stars; one submission).

Allele frequency attached by ClinVar (database versions not stated): TOPMed below 0.00001.
gnomAD v4.1: 5 of 1,480,878 alleles (0.00034%); highest among the groups gnomAD compares: Admixed American, 0.0022%; no homozygotes.

Submission:

Labcorp Genetics (formerly Invitae), Labcorp
Classification: Uncertain significance. Last evaluated: 2023-08-30. Review status: criteria provided, single submitter. Criteria: Invitae Variant Classification Sherloc (09022015). Collection method: clinical testing. Allele origin: germline.
Comment: This sequence change replaces arginine, which is basic and polar, with tryptophan, which is neutral and slightly polar, at codon 15 of the CLCN7 protein (p.Arg15Trp). This variant is not present in population databases (gnomAD no frequency). This variant has not been reported in the literature in individuals affected with CLCN7-related conditions. Advanced modeling of protein sequence and biophysical properties (such as structural, functional, and spatial information, amino acid conservation, physicochemical variation, residue mobility, and thermodynamic stability) performed at Invitae indicates that this missense variant is not expected to disrupt CLCN7 protein function. In summary, the available evidence is currently insufficient to determine the role of this variant in disease. Therefore, it has been classified as a Variant of Uncertain Significance.

NM_001287.6(CLCN7):c.43C>T (p.Arg15Trp)

Genes: CLCN7 (chloride voltage-gated channel 7; minus strand), LOC130058166 (ATAC-STARR-seq lymphoblastoid silent region 6986; plus strand). Cytogenetic location: 16p13.3.
Variant type: single nucleotide variant.
Coding change: c.43C>T on transcript NM_001287.6 (MANE Select); coding-DNA position 43, C replaced by T.
Protein change: p.Arg15Trp; replaces arginine 15 with tryptophan.
Molecular consequence: missense variant.
Genome position (GRCh38, 1-based): chr16:1,474,932, G>A on the plus strand (C>T on the coding strand, the complement: CLCN7 is on the minus strand). VCF-style: chr16-1474932-G-A. GRCh37 (hg19) VCF-style: chr16-1524933-G-A.
Other names: c.43C>T, p.Arg15Trp (NM_001114331.3); short protein forms R15W.
Identifiers: ClinVar variation 2801054 (VCV002801054.3), dbSNP rs1596234094, ClinGen allele CA394194201.